The following is an entry in ClinVar:

NM_178857.6(RP1L1):c.5837C>A (p.Ala1946Glu)

Gene: RP1L1 (RP1 like 1). Cytogenetic location: 8p23.1.
Variant type: single nucleotide variant.
Coding change: c.5837C>A on transcript NM_178857.6 (MANE Select); coding-DNA position 5837, C replaced by A.
Protein change: p.Ala1946Glu; replaces alanine 1946 with glutamic acid.
Molecular consequence: missense variant.
Genome position (GRCh38, 1-based): chr8:10,608,261, G>T on the plus strand (C>A on the coding strand, the complement: RP1L1 is on the minus strand). VCF-style: chr8-10608261-G-T. GRCh37 (hg19) VCF-style: chr8-10465771-G-T.
Other names: short protein forms A1946E.
Identifiers: ClinVar variation 361236 (VCV000361236.14), dbSNP rs11785822, ClinGen allele CA4623518.

ClinVar aggregate classification (germline): Benign. Review status: criteria provided, multiple submitters, no conflicts (2 of 4 stars). 7 submissions from 6 submitters: Benign (4). 3 of the submissions do not count toward it. Last evaluated 2021-11-07.

Conditions:
Occult macular dystrophy (OCMD). Also called: OMD; OCCULT MACULAR DYSTROPHY, SUSCEPTIBILITY TO. Identifiers: Orphanet 247834, MedGen C3150833, MONDO:0013316, OMIM 613587, HP:0030636.
Retinitis pigmentosa 88. Identifiers: MedGen C5394208, MONDO:0032940, OMIM 618826.

Allele frequency attached by ClinVar (database versions not stated): 1000 Genomes Project 30x 0.91630; 1000 Genomes Project 0.91973; TOPMed 0.92119; ESP Exome Variant Server 0.92405; gnomAD 0.92448 and 0.92633; ExAC 0.94941; gnomAD exomes 0.95719.

Submissions (7):

Genome-Nilou Lab
Classification: Benign for Occult macular dystrophy. Last evaluated: 2021-11-07. Review status: criteria provided, single submitter. Criteria: ACMG Guidelines, 2015. Collection method: clinical testing. Allele origin: germline. Affected: no.

Genome-Nilou Lab
Classification: Benign for Retinitis pigmentosa 88. Last evaluated: 2021-11-07. Review status: criteria provided, single submitter. Criteria: ACMG Guidelines, 2015. Collection method: clinical testing. Allele origin: germline. Affected: no.

Illumina Laboratory Services, Illumina
Classification: Benign for Occult macular dystrophy. Last evaluated: 2018-01-13. Review status: criteria provided, single submitter. Criteria: ICSL Variant Classification Criteria 13 December 2019. Collection method: clinical testing. Allele origin: germline.
Comment: This variant was observed in the ICSL laboratory as part of a predisposition screen in an ostensibly healthy population. It had not been previously curated by ICSL or reported in the Human Gene Mutation Database (HGMD: prior to June 1st, 2018), and was therefore a candidate for classification through an automated scoring system. Utilizing variant allele frequency, disease prevalence and penetrance estimates, and inheritance mode, an automated score was calculated to assess if this variant is too frequent to cause the disease. Based on the score and internal cut-off values, a variant classified as benign is not then subjected to further curation. The score for this variant resulted in a classification of benign for this disease.

Breakthrough Genomics
Classification: Benign. Review status: criteria provided, single submitter. Criteria: ACMG Guidelines, 2015. Collection method: not provided. Allele origin: germline. Inheritance: Autosomal recessive inheritance. Affected: yes.

Clinical Genetics DNA and cytogenetics Diagnostics Lab, Erasmus MC, Erasmus Medical Center
Classification: Benign. Review status: no assertion criteria provided. Collection method: clinical testing. Allele origin: germline. Affected: yes. Study: VKGL Data-share Consensus. Not counted in ClinVar's aggregate classification.

Diagnostic Laboratory, Department of Genetics, University Medical Center Groningen
Classification: Benign. Review status: no assertion criteria provided. Collection method: clinical testing. Allele origin: germline. Affected: yes. Study: VKGL Data-share Consensus. Not counted in ClinVar's aggregate classification.

Joint Genome Diagnostic Labs from Nijmegen and Maastricht, Radboudumc and MUMC+
Classification: Benign. Review status: no assertion criteria provided. Collection method: clinical testing. Allele origin: germline. Affected: yes. Study: VKGL Data-share Consensus. Not counted in ClinVar's aggregate classification.